The following is an entry in ClinVar:

ClinVar aggregate classification (germline): Likely benign. Review status: criteria provided, multiple submitters, no conflicts (2 of 4 stars). 2 submissions from 2 submitters: Likely benign (2). Last evaluated 2025-07-30.

Conditions:
Long chain 3-hydroxyacyl-CoA dehydrogenase deficiency. Also called: Deficiency of long-chain 3-hydroxyacyl-coenzyme A dehydrogenase; LCHAD Deficiency. Identifiers: Orphanet 5, MedGen C3711645, MONDO:0012173, OMIM 609016.
Mitochondrial trifunctional protein deficiency. Identifiers: Orphanet 746, MedGen C1969443, MONDO:0012172.

Allele frequency attached by ClinVar (database versions not stated): ExAC 0.00002; gnomAD exomes 0.00002.
gnomAD v4.1: 20 of 1,614,158 alleles (0.0012%); highest among the groups gnomAD compares: Admixed American, 0.0017%; no homozygotes.

Submissions (2):

Mayo Clinic Laboratories, Mayo Clinic
Classification: Likely benign. Last evaluated: 2025-07-30. Review status: criteria provided, single submitter. Criteria: ACMG Guidelines, 2015. Collection method: clinical testing. Allele origin: germline. Observed: 1 variant allele.
Comment: BP4, BP7

Labcorp Genetics (formerly Invitae), Labcorp
Classification: Likely benign for Mitochondrial trifunctional protein deficiency; Long chain 3-hydroxyacyl-CoA dehydrogenase deficiency. Last evaluated: 2024-04-22. Review status: criteria provided, single submitter. Criteria: Invitae Variant Classification Sherloc (09022015). Collection method: clinical testing. Allele origin: germline.

NM_000182.5(HADHA):c.2146+10G>A

Genes: HADHA (hydroxyacyl-CoA dehydrogenase trifunctional multienzyme complex subunit alpha; minus strand), GAREM2 (GRB2 associated regulator of MAPK1 subtype 2; plus strand). Cytogenetic location: 2p23.3.
Variant type: single nucleotide variant.
Coding change: c.2146+10G>A on transcript NM_000182.5 (MANE Select); 10 bases into the intron after coding-DNA position 2146, G replaced by A.
Molecular consequence: intron variant.
Genome position (GRCh38, 1-based): chr2:26,191,473, C>T on the plus strand (G>A on the coding strand, the complement: HADHA is on the minus strand). VCF-style: chr2-26191473-C-T. GRCh37 (hg19) VCF-style: chr2-26414342-C-T.
Other names: p.?.
Identifiers: ClinVar variation 1084525 (VCV001084525.10), dbSNP rs768516891, ClinGen allele CA1559363.
Genomic context (GRCh38, chr2:26,191,473, plus strand): 5'-ACTTCGTTGAAGGAGACGCAACACGGGCTCCAGGCTAAAGTGAGCTTCCTTCCCAACCTG[C>T]GAGACCAACCTCCCAGACAAGGCGGGAAGCCAAGCCCAAAGACGGCTCCGATGTCTCCCT-3'